The following is an entry in ClinVar:

ClinVar aggregate classification (germline): Uncertain significance (1 of 4 stars; one submission).

Conditions:
Dextro-looped transposition of the great arteries. Also called: Dextrotransposition of the great arteries. Identifiers: Orphanet 860, MedGen C3531771, MONDO:0019443, OMIM 608808, HP:0031348.

gnomAD v4.1: 2 of 1,613,864 alleles (0.00012%); highest among the groups gnomAD compares: Admixed American, 0.0033%; no homozygotes.

Submission:

Labcorp Genetics (formerly Invitae), Labcorp
Classification: Uncertain significance for Dextro-looped transposition of the great arteries. Last evaluated: 2025-06-09. Review status: criteria provided, single submitter. Criteria: Invitae Variant Classification Sherloc (09022015). Collection method: clinical testing. Allele origin: germline.
Comment: This sequence change replaces serine, which is neutral and polar, with leucine, which is neutral and non-polar, at codon 1864 of the MED13L protein (p.Ser1864Leu). This variant is not present in population databases (gnomAD no frequency). This variant has not been reported in the literature in individuals affected with MED13L-related conditions. An algorithm developed to predict the effect of missense changes on protein structure and function (PolyPhen-2) suggests that this variant is likely to be tolerated. In summary, the available evidence is currently insufficient to determine the role of this variant in disease. Therefore, it has been classified as a Variant of Uncertain Significance.

NM_015335.5(MED13L):c.5591C>T (p.Ser1864Leu)

Gene: MED13L (mediator complex subunit 13L; minus strand). Cytogenetic location: 12q24.21.
Variant type: single nucleotide variant.
Coding change: c.5591C>T on transcript NM_015335.5 (MANE Select); coding-DNA position 5591, C replaced by T.
Protein change: p.Ser1864Leu; replaces serine 1864 with leucine.
Molecular consequence: missense variant.
Genome position (GRCh38, 1-based): chr12:115,975,311, G>A on the plus strand (C>T on the coding strand, the complement: MED13L is on the minus strand). VCF-style: chr12-115975311-G-A. GRCh37 (hg19) VCF-style: chr12-116413116-G-A.
Other names: short protein forms S1864L.
Identifiers: ClinVar variation 4745140 (VCV004745140.1).